The following is an entry in ClinVar:

NM_005120.3(MED12):c.2137C>T (p.Pro713Ser)

Gene: MED12 (mediator complex subunit 12; plus strand). Cytogenetic location: Xq13.1.
Variant type: single nucleotide variant.
Coding change: c.2137C>T on transcript NM_005120.3 (MANE Select); coding-DNA position 2137, C replaced by T.
Protein change: p.Pro713Ser; replaces proline 713 with serine.
Molecular consequence: missense variant.
Genome position (GRCh38, 1-based): chrX:71,125,057, C>T. VCF-style: chrX-71125057-C-T. GRCh37 (hg19) VCF-style: chrX-70344907-C-T.
Other names: short protein forms P713S.
Identifiers: ClinVar variation 1204748 (VCV001204748.11), dbSNP rs772484830, ClinGen allele CA10444297.

ClinVar aggregate classification (germline): Conflicting classifications of pathogenicity. Review status: criteria provided, conflicting classifications (1 of 4 stars). 2 submissions from 2 submitters: Uncertain significance (1); Likely benign (1). Last evaluated 2025-01-01.

Conditions:
FG syndrome (FGS). Identifiers: MedGen C0220769, MONDO:0002010.

Allele frequency attached by ClinVar (database versions not stated): ExAC 0.00001; gnomAD exomes 0.00001 and below 0.00001; TOPMed below 0.00001.
gnomAD v4.1: 4 of 1,210,894 alleles (0.00033%); highest among the groups gnomAD compares: Admixed American, 0.0044%; no homozygotes.

Submissions (2):

Labcorp Genetics (formerly Invitae), Labcorp
Classification: Likely benign for FG syndrome. Last evaluated: 2025-01-01. Review status: criteria provided, single submitter. Criteria: Invitae Variant Classification Sherloc (09022015). Collection method: clinical testing. Allele origin: germline.

GeneDx
Classification: Uncertain significance. Last evaluated: 2020-07-09. Review status: criteria provided, single submitter. Criteria: GeneDx Variant Classification Process June 2021. Collection method: clinical testing. Allele origin: germline. Affected: yes.
Comment: Has not been previously published as pathogenic or benign to our knowledge; Not observed at a significant frequency in large population cohorts (Lek et al., 2016); In silico analysis supports that this missense variant does not alter protein structure/function